The following is an entry in ClinVar:

ClinVar aggregate classification (germline): Uncertain significance (1 of 4 stars; one submission).

Conditions:
DICER1-related tumor predisposition. Also called: DICER1-related pleuropulmonary blastoma cancer predisposition syndrome; DICER1 syndrome. Identifiers: Orphanet 284343, MedGen C3839822, MONDO:0100216.

Submission:

Labcorp Genetics (formerly Invitae), Labcorp
Classification: Uncertain significance for DICER1-related tumor predisposition. Last evaluated: 2023-09-03. Review status: criteria provided, single submitter. Criteria: Invitae Variant Classification Sherloc (09022015). Collection method: clinical testing. Allele origin: germline.
Comment: Variants that disrupt the consensus splice site are a relatively common cause of aberrant splicing (PMID: 17576681, 9536098). RNA analysis performed to evaluate the impact of this variant on mRNA splicing indicates it does not significantly alter splicing (Invitae). This variant has been observed in individual(s) with thyroid cancer (Invitae). This variant is not present in population databases (gnomAD no frequency). This sequence change falls in intron 3 of the DICER1 gene. It does not directly change the encoded amino acid sequence of the DICER1 protein. It affects a nucleotide within the consensus splice site. In summary, the available evidence is currently insufficient to determine the role of this variant in disease. Therefore, it has been classified as a Variant of Uncertain Significance.

Literature cited by the submitters: PubMed 17576681; PubMed 9536098.

NM_177438.3(DICER1):c.307+3A>T

Gene: DICER1 (dicer 1, ribonuclease III; minus strand). Cytogenetic location: 14q32.13.
Variant type: single nucleotide variant.
Coding change: c.307+3A>T on transcript NM_177438.3 (MANE Select); 3 bases into the intron after coding-DNA position 307, A replaced by T.
Molecular consequence: intron variant.
Genome position (GRCh38, 1-based): chr14:95,132,512, T>A on the plus strand (A>T on the coding strand, the complement: DICER1 is on the minus strand). VCF-style: chr14-95132512-T-A. GRCh37 (hg19) VCF-style: chr14-95598849-T-A.
Other names: c.307+3A>T (NM_001291628.2, NM_030621.4, NM_001395677.1 and 14 more transcripts); c.33+3A>T (NM_001395690.1, NM_001395687.1, NM_001395689.1 and 4 more transcripts); c.-152+3A>T (NM_001395691.1); c.-1262+3A>T (NM_001395697.1).
Identifiers: ClinVar variation 2699078 (VCV002699078.3), dbSNP rs2543365976, ClinGen allele CA2697554183.